The following is an entry in ClinVar:

NM_006158.5(NEFL):c.64C>T (p.Pro22Ser)

Gene: NEFL (neurofilament light chain; minus strand). Cytogenetic location: 8p21.2.
Variant type: single nucleotide variant.
Coding change: c.64C>T on transcript NM_006158.5 (MANE Select); coding-DNA position 64, C replaced by T.
Protein change: p.Pro22Ser; replaces proline 22 with serine.
Molecular consequence: missense variant.
Genome position (GRCh38, 1-based): chr8:24,956,452, G>A on the plus strand (C>T on the coding strand, the complement: NEFL is on the minus strand). VCF-style: chr8-24956452-G-A. GRCh37 (hg19) VCF-style: chr8-24813966-G-A.
Other names: short protein forms P22S.
Identifiers: ClinVar variation 14029 (VCV000014029.15), dbSNP rs28928910, ClinGen allele CA217568.

ClinVar aggregate classification (germline): Pathogenic/Likely pathogenic. Review status: criteria provided, multiple submitters, no conflicts (2 of 4 stars). 9 submissions from 7 submitters: Pathogenic (5); Likely pathogenic (1). 3 of the submissions do not count toward it. Last evaluated 2022-12-20.

Conditions:
Inborn genetic diseases. Identifiers: MedGen C0950123, MeSH D030342.
Charcot-Marie-Tooth disease type 2E (CMT2E). Also called: CHARCOT-MARIE-TOOTH NEUROPATHY, TYPE 2E; CHARCOT-MARIE-TOOTH DISEASE, AXONAL, TYPE 2E. Identifiers: Orphanet 99939, MedGen C1843225, MONDO:0011894, OMIM 607684.
Charcot-Marie-Tooth disease type 1F. Also called: CHARCOT-MARIE-TOOTH NEUROPATHY, TYPE 1F; Charcot-Marie-Tooth disease, demyelinating, type 1f. Identifiers: Orphanet 101085, MedGen C1843164, MONDO:0011902, OMIM 607734.
Charcot-Marie-Tooth disease type 1C. Also called: HMSN IC; CMT, SLOW NERVE CONDUCTION TYPE C; Charcot-Marie-Tooth disease, type IC; CHARCOT-MARIE-TOOTH NEUROPATHY, TYPE 1C; NEUROPATHY, HEREDITARY MOTOR AND SENSORY, TYPE IC; CHARCOT-MARIE-TOOTH DISEASE, DEMYELINATING, TYPE 1C. Identifiers: Orphanet 101083, MedGen C0270913, MONDO:0010995, OMIM 601098.
Distal lower limb muscle weakness. Identifiers: MedGen C1836450, HP:0009053.
Pes cavus. Identifiers: MedGen C0728829, HP:0001761.
Peripheral neuropathy. Also called: Neuropathy. Identifiers: MedGen C0031117, MONDO:0005244, HP:0009830.
Peripheral demyelination. Identifiers: MedGen C0878575, HP:0011096.
Hand muscle atrophy. Identifiers: MedGen C0239830, HP:0009130.
Decreased nerve conduction velocity. Identifiers: MedGen C1857640, HP:0000762.
Distal muscle weakness. Identifiers: MedGen C0427065, HP:0002460.

Submissions (9):

Athena Diagnostics
Classification: Pathogenic. Last evaluated: 2022-12-20. Review status: criteria provided, single submitter. Criteria: Athena Diagnostics Criteria. Collection method: clinical testing. Allele origin: unknown.
Comment: This variant segregates with autosomal dominant CMT in multiple families. This variant has not been reported in large, multi-ethnic general populations. Assessment of experimental evidence suggests this variant results in abnormal protein function. (PMID: 16452125, 23230147, 20421365, 21168446)

Labcorp Genetics (formerly Invitae), Labcorp
Classification: Pathogenic for Charcot-Marie-Tooth disease type 2E. Last evaluated: 2022-09-01. Review status: criteria provided, single submitter. Criteria: Invitae Variant Classification Sherloc (09022015). Collection method: clinical testing. Allele origin: germline.
Comment: For these reasons, this variant has been classified as Pathogenic. Experimental studies have shown that this missense change affects NEFL function (PMID: 16452125, 21168446). Algorithms developed to predict the effect of variants on protein structure and function are not available or were not evaluated for this variant. ClinVar contains an entry for this variant (Variation ID: 14029). This missense change has been observed in individuals with mixed axonal and demyelinating neuropathy (PMID: 12481988, 15111691, 19286384). It has also been observed to segregate with disease in related individuals. This variant is not present in population databases (gnomAD no frequency). This sequence change replaces proline, which is neutral and non-polar, with serine, which is neutral and polar, at codon 22 of the NEFL protein (p.Pro22Ser).

Ambry Genetics
Classification: Pathogenic for Inborn genetic diseases. Last evaluated: 2022-02-18. Review status: criteria provided, single submitter. Criteria: Ambry Variant Classification Scheme 2023. Collection method: clinical testing. Allele origin: germline.
Comment: The p.P22S pathogenic mutation (also known as c.64C>T), located in coding exon 1 of the NEFL gene, results from a C to T substitution at nucleotide position 64. The proline at codon 22 is replaced by serine, an amino acid with similar properties. This variant was found to segregate with autosomal dominant Charcot-Marie-Tooth disease in one multigenerational family (Georgiou DM et al. Neurogenetics, 2002 Oct;4:93-6). This alteration has also been detected in the heterozygous state in individuals with mixed demyelinating and axonal neuropathy (Fabrizi GM et al. Neurology, 2004 Apr;62:1429-31; Bhagavati S et al. J Clin Neurosci, 2009 Jun;16:830-1). Functional studies have shown that this alteration led to abnormal neurofilament assembly and recapitulates the neuropathy phenotype in a mouse model (Fabrizi GM et al. Neurology, 2004 Apr;62:1429-31; Dequen F et al. Hum Mol Genet, 2010 Jul;19:2616-29; Miao L et al. J Cell Sci, 2013 Jan;126:427-36; Stone EJ et al. Cytoskeleton (Hoboken), 2019 07;76:423-439). Based on the supporting evidence, this variant is expected to be causative of Charcot-Marie-Tooth (CMT) disease, type 1F/2E; however, its clinical significance for the autosomal recessive form of NEFL-related CMT is unclear.

Centre for Mendelian Genomics, University Medical Centre Ljubljana
Classification: Pathogenic for Charcot-Marie-Tooth disease type 1F. Last evaluated: 2016-01-01. Review status: criteria provided, single submitter. Criteria: ACMG Guidelines, 2015. Collection method: clinical testing. Allele origin: unknown. Affected: yes.
Comment: This variant was classified as: Pathogenic.

Centre for Mendelian Genomics, University Medical Centre Ljubljana
Classification: Pathogenic for Decreased nerve conduction velocity; Distal muscle weakness; Hand muscle atrophy; Peripheral demyelination; Peripheral neuropathy. Last evaluated: 2014-06-11. Review status: criteria provided, single submitter. Criteria: ACMG Guidelines, 2015. Collection method: clinical testing. Allele origin: unknown. Affected: yes.

Centre for Mendelian Genomics, University Medical Centre Ljubljana
Classification: Likely pathogenic for Distal lower limb muscle weakness; Peripheral neuropathy; Pes cavus. Last evaluated: 2014-06-03. Review status: criteria provided, single submitter. Criteria: ACMG Guidelines, 2015. Collection method: clinical testing. Allele origin: unknown. Affected: yes.

OMIM
Classification: Pathogenic for CHARCOT-MARIE-TOOTH DISEASE, AXONAL, TYPE 2E. Last evaluated: 2006-03-15. Review status: no assertion criteria provided. Collection method: literature only. Allele origin: germline. Not counted in ClinVar's aggregate classification.

Epithelial Biology;  Institute of Medical Biology, Singapore
No classification provided. Review status: no classification provided. Collection method: not provided. Allele origin: not provided. Not counted in ClinVar's aggregate classification.

GeneReviews
No classification provided. Condition: Charcot-Marie-Tooth disease type 1C. Review status: no classification provided. Collection method: literature only. Allele origin: germline. Affected: yes. Not counted in ClinVar's aggregate classification.

Literature cited by the submitters: PubMed 18023247 (cited by Athena Diagnostics); PubMed 20421365 (cited by Athena Diagnostics and Ambry Genetics); PubMed 15111691 (cited by 4 submitters); PubMed 21168446 (cited by Athena Diagnostics and Labcorp Genetics (formerly Invitae), Labcorp); PubMed 31211173 (cited by Athena Diagnostics); PubMed 23230147 (cited by Athena Diagnostics and Ambry Genetics); PubMed 16452125 (cited by 3 submitters); PubMed 28501821 (cited by Athena Diagnostics); PubMed 19286384 (cited by 3 submitters); PubMed 12481988 (cited by 4 submitters); PubMed 21493625 (cited by Ambry Genetics); PubMed 2288874 (cited by Ambry Genetics); PubMed 31574566 (cited by Ambry Genetics); NCBI Bookshelf NBK1205 (cited by GeneReviews).